The following is an entry in ClinVar:

ClinVar aggregate classification (germline): Uncertain significance (1 of 4 stars; one submission).

Submission:

Labcorp Genetics (formerly Invitae), Labcorp
Classification: Uncertain significance. Last evaluated: 2021-10-12. Review status: criteria provided, single submitter. Criteria: Invitae Variant Classification Sherloc (09022015). Collection method: clinical testing. Allele origin: germline.
Comment: This sequence change replaces proline with threonine at codon 298 of the TULP1 protein (p.Pro298Thr). The proline residue is highly conserved and there is a small physicochemical difference between proline and threonine. This variant is not present in population databases (ExAC no frequency). This variant has not been reported in the literature in individuals affected with TULP1-related conditions. Algorithms developed to predict the effect of missense changes on protein structure and function are either unavailable or do not agree on the potential impact of this missense change (SIFT: "Not Available"; PolyPhen-2: "Probably Damaging"; Align-GVGD: "Not Available"). In summary, the available evidence is currently insufficient to determine the role of this variant in disease. Therefore, it has been classified as a Variant of Uncertain Significance.

NM_003322.6(TULP1):c.892C>A (p.Pro298Thr)

Gene: TULP1 (TUB like protein 1; minus strand). Cytogenetic location: 6p21.31.
Variant type: single nucleotide variant.
Coding change: c.892C>A on transcript NM_003322.6 (MANE Select); coding-DNA position 892, C replaced by A.
Protein change: p.Pro298Thr; replaces proline 298 with threonine.
Molecular consequence: missense variant.
Genome position (GRCh38, 1-based): chr6:35,506,110, G>T on the plus strand (C>A on the coding strand, the complement: TULP1 is on the minus strand). VCF-style: chr6-35506110-G-T. GRCh37 (hg19) VCF-style: chr6-35473887-G-T.
Other names: c.733C>A, p.Pro245Thr (NM_001289395.2); short protein forms P298T, P245T.
Identifiers: ClinVar variation 1490537 (VCV001490537.6), dbSNP rs1224808009, ClinGen allele CA363780325.